The following is an entry in ClinVar:

ClinVar aggregate classification (germline): Uncertain significance. Review status: criteria provided, multiple submitters, no conflicts (2 of 4 stars). 2 submissions from 2 submitters: Uncertain significance (2). Last evaluated 2025-09-18.

Conditions:
Inborn genetic diseases. Identifiers: MedGen C0950123, MeSH D030342.

Submissions (2):

Ambry Genetics
Classification: Uncertain significance for Inborn genetic diseases. Last evaluated: 2025-09-18. Review status: criteria provided, single submitter. Criteria: Ambry Variant Classification Scheme 2023. Collection method: clinical testing. Allele origin: germline.
Comment: The p.L814Q variant (also known as c.2441T>A), located in coding exon 1 of the SAMD9L gene, results from a T to A substitution at nucleotide position 2441. The leucine at codon 814 is replaced by glutamine, an amino acid with dissimilar properties. This amino acid position is conserved. In addition, this alteration is predicted to be deleterious by in silico analysis. Based on the available evidence, the clinical significance of this variant remains unclear.

Blueprint Genetics
Classification: Uncertain significance. Last evaluated: 2023-10-18. Review status: criteria provided, single submitter. Criteria: ACMG Guidelines, 2015. Collection method: clinical testing. Allele origin: germline.

NM_152703.5(SAMD9L):c.2441T>A (p.Leu814Gln)

Gene: SAMD9L (sterile alpha motif domain containing 9 like; minus strand). Cytogenetic location: 7q21.2.
Variant type: single nucleotide variant.
Coding change: c.2441T>A on transcript NM_152703.5 (MANE Select); coding-DNA position 2441, T replaced by A.
Protein change: p.Leu814Gln; replaces leucine 814 with glutamine.
Molecular consequence: missense variant.
Genome position (GRCh38, 1-based): chr7:93,133,531, A>T on the plus strand (T>A on the coding strand, the complement: SAMD9L is on the minus strand). VCF-style: chr7-93133531-A-T. GRCh37 (hg19) VCF-style: chr7-92762844-A-T.
Other names: c.2441T>A, p.Leu814Gln (NM_001303496.3, NM_001303497.3, NM_001303498.3 and 5 more transcripts); short protein forms L814Q.
Identifiers: ClinVar variation 4630005 (VCV004630005.2).